The following is an entry in ClinVar:

NM_017777.4(MKS1):c.262-90G>A

Gene: MKS1 (MKS transition zone complex subunit 1; minus strand). Cytogenetic location: 17q22.
Variant type: single nucleotide variant.
Coding change: c.262-90G>A on transcript NM_017777.4 (MANE Select); 90 bases into the intron before coding-DNA position 262, G replaced by A.
Molecular consequence: intron variant.
Genome position (GRCh38, 1-based): chr17:58,216,333, C>T on the plus strand (G>A on the coding strand, the complement: MKS1 is on the minus strand). VCF-style: chr17-58216333-C-T. GRCh37 (hg19) VCF-style: chr17-56293694-C-T.
Other names: c.-250-90G>A (NM_001321268.2); c.262-90G>A (NM_001330397.2, NM_001321269.2, NM_001411113.1).
Identifiers: ClinVar variation 3059164 (VCV003059164.2), dbSNP rs1289531751, ClinGen allele CA773500293.

ClinVar aggregate classification (germline): Likely benign (0 of 4 stars; one submission).

Conditions:
MKS1-related disorder. Also called: MKS1-related disorders; MKS1-related condition. Identifiers: MedGen CN239382.

Allele frequency attached by ClinVar (database versions not stated): gnomAD 0.00001; gnomAD exomes 0.00002; TOPMed 0.00002.
gnomAD v4.1: 21 of 1,323,698 alleles (0.0016%); highest among the groups gnomAD compares: African/African-American, 0.0029%; no homozygotes.

Submission:

PreventionGenetics, part of Exact Sciences
Classification: Likely benign for MKS1-related condition. Last evaluated: 2021-04-20. Review status: no assertion criteria provided. Collection method: clinical testing. Allele origin: germline.
Comment: This variant is classified as likely benign based on ACMG/AMP sequence variant interpretation guidelines (Richards et al. 2015 PMID: 25741868, with internal and published modifications).